The following is an entry in ClinVar:

NM_020680.4(SCYL1):c.1828_1851del (p.Pro610_Ala617del)

Gene: SCYL1 (SCY1 like pseudokinase 1; plus strand). Cytogenetic location: 11q13.1.
Variant type: Deletion.
Coding change: c.1828_1851del on transcript NM_020680.4 (MANE Select); coding-DNA positions 1828 to 1851, 24 bases deleted (CCAGCCCCCACCCCTGTTCCTGCC).
Protein change: p.Pro610_Ala617del.
Molecular consequence: inframe deletion. On other transcripts: intron variant (11).
Genome position (GRCh38, 1-based): chr11:65,536,997-65,537,020, CCAGCCCCCACCCCTGTTCCTGCC deleted; deleting any 24 consecutive bases within chr11:65,536,988-65,537,020 gives the same sequence; the c. name uses the placement nearest the transcript's 3' end. VCF-style (leftmost placement, unchanged base first): chr11-65536987-AGTTCCTGCCCCAGCCCCCACCCCT-A. GRCh37 (hg19) VCF-style: chr11-65304458-AGTTCCTGCCCCAGCCCCCACCCCT-A.
Other names: c.1828_1851del, p.Pro610_Ala617del (NM_001411022.1, NM_001425181.1, NM_001425185.1 and 5 more transcripts); c.1825_1848del, p.Pro609_Ala616del (NM_001425180.1); c.1750_1773del, p.Pro584_Ala591del (NM_001425187.1); c.1744_1767del, p.Pro582_Ala589del (NM_001425189.1); c.1714_1737del, p.Pro572_Ala579del (NM_001425191.1); c.1696_1719del, p.Pro566_Ala573del (NM_001425193.1); c.1573_1596del, p.Pro525_Ala532del (NM_001425199.1); c.1564_1587del, p.Pro522_Ala529del (NM_001425200.1); and 6 more.
Identifiers: ClinVar variation 4533976 (VCV004533976.7).
Genomic context (GRCh38, chr11:65,536,987, plus strand): 5'-AGCAGCCTCTGCCCTGTCCCAAGACCCCCCTGAAAGCTCAGTGAGCCTCTGCTCCCCAGG[AGTTCCTGCCCCAGCCCCCACCCCT>A]GTTCCTGCCACCCCTACAACCTCAGGCCACTGGGAGACGCAGGAGGAGGACAAGGACACA-3'

ClinVar aggregate classification (germline): Likely benign. Review status: criteria provided, multiple submitters, no conflicts (2 of 4 stars). 2 submissions from 2 submitters: Likely benign (2). Last evaluated 2025-10-01.

Submissions (2):

CeGaT Center for Human Genetics Tuebingen
Classification: Likely benign. Last evaluated: 2025-10-01. Review status: criteria provided, single submitter. Criteria: CeGaT Center For Human Genetics Tuebingen Variant Classification Criteria Version 2. Collection method: clinical testing. Allele origin: germline. Affected: yes. Observed: 1 variant allele.
Comment: SCYL1: PM4, BS2

Labcorp Genetics (formerly Invitae), Labcorp
Classification: Likely benign. Last evaluated: 2025-06-16. Review status: criteria provided, single submitter. Criteria: Invitae Variant Classification Sherloc (09022015). Collection method: clinical testing. Allele origin: germline.